The following is an entry in ClinVar:

ClinVar aggregate classification (germline): Uncertain significance. Review status: criteria provided, multiple submitters, no conflicts (2 of 4 stars). 2 submissions from 2 submitters: Uncertain significance (2). Last evaluated 2025-06-01.

Conditions:
Inborn genetic diseases. Identifiers: MedGen C0950123, MeSH D030342.

Submissions (2):

Ambry Genetics
Classification: Uncertain significance for Inborn genetic diseases. Last evaluated: 2025-06-01. Review status: criteria provided, single submitter. Criteria: Ambry Variant Classification Scheme 2023. Collection method: clinical testing. Allele origin: germline.
Comment: The p.I303V variant (also known as c.907A>G), located in coding exon 7 of the KDM1A gene, results from an A to G substitution at nucleotide position 907. The isoleucine at codon 303 is replaced by valine, an amino acid with highly similar properties. This amino acid position is conserved. In addition, this alteration is predicted to be tolerated by in silico analysis. Based on the available evidence, the clinical significance of this variant remains unclear.

Labcorp Genetics (formerly Invitae), Labcorp
Classification: Uncertain significance. Last evaluated: 2022-09-21. Review status: criteria provided, single submitter. Criteria: Invitae Variant Classification Sherloc (09022015). Collection method: clinical testing. Allele origin: germline.
Comment: In summary, the available evidence is currently insufficient to determine the role of this variant in disease. Therefore, it has been classified as a Variant of Uncertain Significance. Advanced modeling of protein sequence and biophysical properties (such as structural, functional, and spatial information, amino acid conservation, physicochemical variation, residue mobility, and thermodynamic stability) performed at Invitae indicates that this missense variant is not expected to disrupt KDM1A protein function. This variant has not been reported in the literature in individuals affected with KDM1A-related conditions. This variant is not present in population databases (gnomAD no frequency). This sequence change replaces isoleucine, which is neutral and non-polar, with valine, which is neutral and non-polar, at codon 303 of the KDM1A protein (p.Ile303Val).

NM_001009999.3(KDM1A):c.907A>G (p.Ile303Val)

Gene: KDM1A (lysine demethylase 1A; plus strand). Cytogenetic location: 1p36.12.
Variant type: single nucleotide variant.
Coding change: c.907A>G on transcript NM_001009999.3 (MANE Select); coding-DNA position 907, A replaced by G.
Protein change: p.Ile303Val; replaces isoleucine 303 with valine.
Molecular consequence: missense variant.
Genome position (GRCh38, 1-based): chr1:23,055,955, A>G. VCF-style: chr1-23055955-A-G. GRCh37 (hg19) VCF-style: chr1-23382448-A-G.
Other names: c.847A>G, p.Ile283Val (NM_001363654.2, NM_001410763.1, NM_015013.4); c.907A>G, p.Ile303Val (NM_001410762.1); c.907A>G (NM_001009999.2); short protein forms I283V, I303V.
Identifiers: ClinVar variation 2094096 (VCV002094096.5), dbSNP rs2522694610, ClinGen allele CA338962757.